The following is an entry in ClinVar:

ClinVar aggregate classification (germline): Conflicting classifications of pathogenicity. Review status: criteria provided, conflicting classifications (1 of 4 stars). 3 submissions from 3 submitters: Uncertain significance (1); Likely benign (1). 1 of the submissions does not count toward it. Last evaluated 2026-07-01.

Conditions:
Dysmetria. Identifiers: MedGen C0234162, HP:0001310.

Allele frequency attached by ClinVar (database versions not stated): gnomAD exomes 0.00142 and 0.00172; gnomAD 0.00145 and 0.00139; ExAC 0.00174; 1000 Genomes Project 30x 0.00094; ESP Exome Variant Server 0.00095; 1000 Genomes Project 0.00120; TOPMed 0.00132.
gnomAD v4.1: 2,347 of 1,612,892 alleles (0.15%); highest among the groups gnomAD compares: Middle Eastern, 1.1%; 11 homozygotes.

Submissions (3):

CeGaT Center for Human Genetics Tuebingen
Classification: Likely benign. Last evaluated: 2026-07-01. Review status: criteria provided, single submitter. Criteria: CeGaT Center For Human Genetics Tuebingen Variant Classification Criteria Version 2. Collection method: clinical testing. Allele origin: germline. Affected: yes. Observed: 8 variant alleles.
Comment: AHNAK2: BP4

Breakthrough Genomics
Classification: Uncertain significance. Review status: criteria provided, single submitter. Criteria: ACMG Guidelines, 2015. Collection method: not provided. Allele origin: germline. Inheritance: Unknown mechanism. Affected: yes.

Oasi Research Institute-IRCCS
Classification: Uncertain significance for Dysmetria. Review status: no assertion criteria provided. Collection method: research. Allele origin: paternal. Affected: yes. Observed: 1 variant allele, 1 heterozygote. Not counted in ClinVar's aggregate classification.

NM_138420.4(AHNAK2):c.1198G>A (p.Gly400Ser)

Gene: AHNAK2 (AHNAK nucleoprotein 2; minus strand). Cytogenetic location: 14q32.33.
Variant type: single nucleotide variant.
Coding change: c.1198G>A on transcript NM_138420.4 (MANE Select); coding-DNA position 1198, G replaced by A.
Protein change: p.Gly400Ser; replaces glycine 400 with serine.
Molecular consequence: missense variant.
Genome position (GRCh38, 1-based): chr14:104,954,253, C>T on the plus strand (G>A on the coding strand, the complement: AHNAK2 is on the minus strand). VCF-style: chr14-104954253-C-T. GRCh37 (hg19) VCF-style: chr14-105420590-C-T.
Other names: c.898G>A, p.Gly300Ser (NM_001350929.2); short protein forms G300S, G400S.
Identifiers: ClinVar variation 1162317 (VCV001162317.27), dbSNP rs140752229, ClinGen allele CA7383877.